The following is an entry in ClinVar:

NM_001909.5(CTSD):c.352+42T>C

Gene: CTSD (cathepsin D; minus strand). Cytogenetic location: 11p15.5.
Variant type: single nucleotide variant.
Coding change: c.352+42T>C on transcript NM_001909.5 (MANE Select); 42 bases into the intron after coding-DNA position 352, T replaced by C.
Molecular consequence: intron variant.
Genome position (GRCh38, 1-based): chr11:1,759,474, A>G on the plus strand (T>C on the coding strand, the complement: CTSD is on the minus strand). VCF-style: chr11-1759474-A-G. GRCh37 (hg19) VCF-style: chr11-1780704-A-G.
Identifiers: ClinVar variation 673758 (VCV000673758.1), dbSNP rs149907533, ClinGen allele CA5814219.
Genomic context (GRCh38, chr11:1,759,474, plus strand): 5'-GAGGCAGGAGAATTGCGTTGCCCAAGTGATTCCTGAGGCAGCCCTGCAGCGACATCCCGG[A>G]AGGGCAGGACCTGGGCGACGGGGCCAGGGTTCGTGACTCACAGCAAGCGATGTCCAGCAG-3'

ClinVar aggregate classification (germline): Likely benign (1 of 4 stars; one submission).

Allele frequency attached by ClinVar (database versions not stated): 1000 Genomes Project 0.00659; 1000 Genomes Project 30x 0.00687; TOPMed 0.01176; ESP Exome Variant Server 0.01392; gnomAD exomes 0.01419; ExAC 0.01426; gnomAD 0.01572 and 0.01641.
gnomAD v4.1: 29,664 of 1,611,296 alleles (1.8%); highest among the groups gnomAD compares: Non-Finnish European, 2.1%; 346 homozygotes.

Submission:

GeneDx
Classification: Likely benign. Last evaluated: 2018-06-19. Review status: criteria provided, single submitter. Criteria: GeneDx Variant Classification (06012015). Collection method: clinical testing. Allele origin: germline. Affected: yes.
Comment: This variant is considered likely benign or benign based on one or more of the following criteria: it is a conservative change, it occurs at a poorly conserved position in the protein, it is predicted to be benign by multiple in silico algorithms, and/or has population frequency not consistent with disease.